The following is an entry in ClinVar:

ClinVar aggregate classification (germline): Uncertain significance (1 of 4 stars; one submission).

Submission:

Labcorp Genetics (formerly Invitae), Labcorp
Classification: Uncertain significance. Last evaluated: 2023-09-04. Review status: criteria provided, single submitter. Criteria: Invitae Variant Classification Sherloc (09022015). Collection method: clinical testing. Allele origin: germline.
Comment: In summary, the available evidence is currently insufficient to determine the role of this variant in disease. Therefore, it has been classified as a Variant of Uncertain Significance. An algorithm developed to predict the effect of missense changes on protein structure and function (PolyPhen-2) suggests that this variant is likely to be disruptive. This variant has not been reported in the literature in individuals affected with CNOT1-related conditions. This variant is not present in population databases (gnomAD no frequency). This sequence change replaces histidine, which is basic and polar, with glutamine, which is neutral and polar, at codon 2335 of the CNOT1 protein (p.His2335Gln).

NM_016284.5(CNOT1):c.7020T>A (p.His2340Gln)

Genes: CNOT1 (CCR4-NOT transcription complex subunit 1; minus strand), SETD6 (SET domain containing 6, protein lysine methyltransferase; plus strand). Cytogenetic location: 16q21.
Variant type: single nucleotide variant.
Coding change: c.7020T>A on transcript NM_016284.5 (MANE Select); coding-DNA position 7020, T replaced by A.
Protein change: p.His2340Gln; replaces histidine 2340 with glutamine.
Molecular consequence: missense variant. On other transcripts: non-coding transcript variant (1), 3 prime UTR variant (1).
Genome position (GRCh38, 1-based): chr16:58,521,215, A>T on the plus strand (T>A on the coding strand, the complement: CNOT1 is on the minus strand). VCF-style: chr16-58521215-A-T. GRCh37 (hg19) VCF-style: chr16-58555119-A-T.
Other names: c.7005T>A, p.His2335Gln (NM_001265612.2); c.*2186A>T (NM_001160305.4); short protein forms H2335Q, H2340Q.
Identifiers: ClinVar variation 2758049 (VCV002758049.3), dbSNP rs2543786847, ClinGen allele CA396160132.